The following is an entry in ClinVar:

ClinVar aggregate classification (germline): Uncertain significance (1 of 4 stars; one submission).

Submission:

Dasa
Classification: Uncertain significance. Last evaluated: 2025-11-06. Review status: criteria provided, single submitter. Criteria: DASA Assertion Criteria. Collection method: clinical testing. Allele origin: germline.
Comment: NM_003660.4(PPFIA3):c.3526+7G>A is a splice-region variant. This variant is absent from population databases. Computational prediction algorithms are consistent with a benign effect. The currently available literature and clinical evidence are not sufficient to establish a definitive association between this variant and the reported condition. Therefore, this variant is classified as a variant of uncertain significance.

NM_003660.4(PPFIA3):c.3526+7G>A

Genes: PPFIA3 (PPFI scaffold protein A3; plus strand), LOC130064904 (ATAC-STARR-seq lymphoblastoid active region 14927; plus strand). Cytogenetic location: 19q13.33.
Variant type: single nucleotide variant.
Coding change: c.3526+7G>A on transcript NM_003660.4 (MANE Select); 7 bases into the intron after coding-DNA position 3526, G replaced by A.
Molecular consequence: intron variant.
Genome position (GRCh38, 1-based): chr19:49,149,725, G>A. VCF-style: chr19-49149725-G-A. GRCh37 (hg19) VCF-style: chr19-49652982-G-A.
Identifiers: ClinVar variation 4883586 (VCV004883586.2).